The following is an entry in ClinVar:

ClinVar aggregate classification (germline): Pathogenic. Review status: criteria provided, multiple submitters, no conflicts (2 of 4 stars). 2 submissions from 2 submitters: Pathogenic (2). Last evaluated 2026-03-17.

Conditions:
Hereditary cancer-predisposing syndrome. Also called: Neoplastic Syndromes, Hereditary; Tumor predisposition; Hereditary Cancer Syndrome; Hereditary neoplastic syndrome. Identifiers: Orphanet 140162, MedGen C0027672, MeSH D009386, MONDO:0015356.
Familial adenomatous polyposis 1 (FAP1). Also called: FAMILIAL ADENOMATOUS POLYPOSIS 1, ATTENUATED; POLYPOSIS, ADENOMATOUS INTESTINAL. Identifiers: MedGen C2713442, MONDO:0021056, OMIM 175100. Disease mechanism: loss of function.

Submissions (2):

Ambry Genetics
Classification: Pathogenic for Hereditary cancer-predisposing syndrome. Last evaluated: 2026-03-17. Review status: criteria provided, single submitter. Criteria: Ambry Variant Classification Scheme 2023. Collection method: clinical testing. Allele origin: germline.
Comment: The c.1611_1612dupTG pathogenic mutation, located in coding exon 12 of the APC gene, results from a duplication of TG at nucleotide position 1611, causing a translational frameshift with a predicted alternate stop codon (p.E538Vfs*12). This variant was reported in individual(s) with features consistent with APC-related familial adenomatous polyposis (Ambry internal data). This variant is considered to be rare based on population cohorts in the Genome Aggregation Database (gnomAD). This alteration is expected to result in loss of function by premature protein truncation or nonsense-mediated mRNA decay. As such, this alteration is interpreted as a disease-causing mutation.

Myriad Genetics, Inc.
Classification: Pathogenic for Familial adenomatous polyposis 1. Last evaluated: 2023-05-02. Review status: criteria provided, single submitter. Criteria: Myriad Autosomal Dominant, Autosomal Recessive and X-Linked Classification Criteria (2023). Collection method: clinical testing. Allele origin: unknown.
Comment: This variant is considered pathogenic. This variant creates a frameshift predicted to result in premature protein truncation.

NM_000038.6(APC):c.1611_1612dup (p.Glu538fs)

Gene: APC (APC regulator of Wnt signaling pathway; plus strand). Cytogenetic location: 5q22.2.
Variant type: Duplication.
Coding change: c.1611_1612dup on transcript NM_000038.6 (MANE Select); coding-DNA positions 1611 to 1612, 2 bases duplicated (TG; older notation c.1611_1612dupTG).
Protein change: p.Glu538fs; shifts the reading frame from glutamic acid 538.
Molecular consequence: frameshift variant.
Genome position (GRCh38, 1-based): chr5:112,827,991-112,827,992, TG duplicated; duplicating any 2 consecutive bases within chr5:112,827,990-112,827,992 gives the same sequence; the c. name uses the placement nearest the transcript's 3' end. VCF-style (leftmost placement, unchanged base first): chr5-112827989-A-AGT. GRCh37 (hg19) VCF-style: chr5-112163686-A-AGT.
Other names: c.1611_1612dupTG (NM_000038.5); c.1611_1612dup, p.Glu538fs (NM_001127510.3, NM_001354895.2, NM_001407450.1); c.1557_1558dup, p.Glu520fs (NM_001127511.3); c.1665_1666dup, p.Glu556fs (NM_001354896.2, NM_001407447.1, NM_001407448.1 and 1 more transcripts); c.1641_1642dup, p.Glu548fs (NM_001354897.2); c.1536_1537dup, p.Glu513fs (NM_001354898.2); c.1527_1528dup, p.Glu510fs (NM_001354899.2); c.1488_1489dup, p.Glu497fs (NM_001354900.2); and 12 more; short protein forms E154fs, E255fs, E378fs, E409fs, E412fs, E437fs, E447fs, E455fs.
Identifiers: ClinVar variation 2584102 (VCV002584102.3), dbSNP rs2533221655, ClinGen allele CA2582341374.